The following is an entry in ClinVar:

ClinVar aggregate classification (germline): Uncertain significance (1 of 4 stars; one submission).

Conditions:
Hereditary cancer-predisposing syndrome. Also called: Neoplastic Syndromes, Hereditary; Tumor predisposition; Hereditary neoplastic syndrome; Hereditary Cancer Syndrome. Identifiers: Orphanet 140162, MedGen C0027672, MeSH D009386, MONDO:0015356.

Submission:

Ambry Genetics
Classification: Uncertain significance for Hereditary cancer-predisposing syndrome. Last evaluated: 2023-12-20. Review status: criteria provided, single submitter. Criteria: Ambry Variant Classification Scheme 2023. Collection method: clinical testing. Allele origin: germline.
Comment: The c.801_803delACA variant (also known as p.K267_H268delinsN) is located in coding exon 3 of the XRCC2 gene. This variant results from an in-frame ACA deletion at nucleotide positions 801 to 803. This results in the deletion of lysine and histidine residues at codons 267 and 268 and the insertion of an asparagine residue. This deleted amino acid region is not well conserved in available vertebrate species. In addition, this alteration is predicted to be neutral by in silico analysis (Choi Y et al. PLoS ONE. 2012; 7(10):e46688). Since supporting evidence is limited at this time, the clinical significance of this alteration remains unclear.

NM_005431.2(XRCC2):c.801_803del (p.Lys267_His268delinsAsn)

Gene: XRCC2 (X-ray repair cross complementing 2; minus strand). Cytogenetic location: 7q36.1.
Variant type: Deletion.
Coding change: c.801_803del on transcript NM_005431.2 (MANE Select); coding-DNA positions 801 to 803, 3 bases deleted (ACA; older notation c.801_803delACA).
Protein change: p.Lys267_His268delinsAsn.
Molecular consequence: inframe indel.
Genome position (GRCh38, 1-based): chr7:152,648,682-152,648,684, TGT deleted on the plus strand (ACA on the coding strand, the reverse complement: XRCC2 is on the minus strand); deleting any 3 consecutive bases within chr7:152,648,682-152,648,685 gives the same sequence; the c. name uses the placement nearest the transcript's 3' end. VCF-style (leftmost placement, unchanged base first): chr7-152648681-ATGT-A. GRCh37 (hg19) VCF-style: chr7-152345766-ATGT-A.
Identifiers: ClinVar variation 827391 (VCV000827391.4), dbSNP rs1590129182, ClinGen allele CA915945586.